The following is an entry in ClinVar:

NM_014694.4(ADAMTSL2):c.-150-260G>A

Gene: ADAMTSL2 (ADAMTS like 2; plus strand). Cytogenetic location: 9q34.2.
Variant type: single nucleotide variant.
Coding change: c.-150-260G>A on transcript NM_014694.4 (MANE Select); 260 bases into the intron before 150 bases upstream of the start codon, G replaced by A.
Molecular consequence: intron variant.
Genome position (GRCh38, 1-based): chr9:133,536,303, G>A. VCF-style: chr9-133536303-G-A. GRCh37 (hg19) VCF-style: chr9-136401425-G-A.
Other names: c.-150-260G>A (NM_001145320.2).
Identifiers: ClinVar variation 680522 (VCV000680522.1), dbSNP rs11525182, ClinGen allele CA13002607.

ClinVar aggregate classification (germline): Benign (1 of 4 stars; one submission).

Allele frequency attached by ClinVar (database versions not stated): TOPMed 0.29266; gnomAD 0.31456 and 0.32055; 1000 Genomes Project 30x 0.33011; 1000 Genomes Project 0.33666.
gnomAD v4.1: 48,820 of 152,122 alleles (32%); highest among the groups gnomAD compares: South Asian, 47%; 8,374 homozygotes.

Submission:

GeneDx
Classification: Benign. Last evaluated: 2018-06-19. Review status: criteria provided, single submitter. Criteria: GeneDx Variant Classification (06012015). Collection method: clinical testing. Allele origin: germline. Affected: yes.
Comment: This variant is considered likely benign or benign based on one or more of the following criteria: it is a conservative change, it occurs at a poorly conserved position in the protein, it is predicted to be benign by multiple in silico algorithms, and/or has population frequency not consistent with disease.